The following is an entry in ClinVar:

ClinVar aggregate classification (germline): Uncertain significance. Review status: criteria provided, multiple submitters, no conflicts (2 of 4 stars). 2 submissions from 2 submitters: Uncertain significance (2). Last evaluated 2021-09-26.

Conditions:
FG syndrome (FGS). Identifiers: MedGen C0220769, MONDO:0002010.
Familial thoracic aortic aneurysm and aortic dissection (TAAD). Also called: Thoracic aortic aneurysms and dissections. Identifiers: Orphanet 91387, MedGen C4707243, MONDO:0019625.

Submissions (2):

Labcorp Genetics (formerly Invitae), Labcorp
Classification: Uncertain significance for FG syndrome. Last evaluated: 2021-09-26. Review status: criteria provided, single submitter. Criteria: Invitae Variant Classification Sherloc (09022015). Collection method: clinical testing. Allele origin: germline.
Comment: In summary, the available evidence is currently insufficient to determine the role of this variant in disease. Therefore, it has been classified as a Variant of Uncertain Significance. Variants that disrupt the consensus splice site are a relatively common cause of aberrant splicing (PMID: 17576681, 9536098). Algorithms developed to predict the effect of sequence changes on RNA splicing suggest that this variant may disrupt the consensus splice site. This variant has not been reported in the literature in individuals affected with MED12-related conditions. This variant is not present in population databases (ExAC no frequency). This sequence change falls in intron 37 of the MED12 gene. It does not directly change the encoded amino acid sequence of the MED12 protein. It affects a nucleotide within the consensus splice site of the intron.

Ambry Genetics
Classification: Uncertain significance for Familial thoracic aortic aneurysm and aortic dissection. Last evaluated: 2021-03-19. Review status: criteria provided, single submitter. Criteria: Ambry Variant Classification Scheme 2023. Collection method: clinical testing. Allele origin: germline.
Comment: The c.5401-3C>A intronic alteration consists of a C to A substitution 3 nucleotides before coding exon 38 in the MED12 gene. Based on insufficient or conflicting evidence, the clinical significance of this alteration remains unclear.

Literature cited by the submitters: PubMed 17576681 (cited by Labcorp Genetics (formerly Invitae), Labcorp); PubMed 9536098 (cited by Labcorp Genetics (formerly Invitae), Labcorp).

NM_005120.3(MED12):c.5401-3C>A

Gene: MED12 (mediator complex subunit 12; plus strand). Cytogenetic location: Xq13.1.
Variant type: single nucleotide variant.
Coding change: c.5401-3C>A on transcript NM_005120.3 (MANE Select); 3 bases into the intron before coding-DNA position 5401, C replaced by A.
Molecular consequence: intron variant.
Genome position (GRCh38, 1-based): chrX:71,136,876, C>A. VCF-style: chrX-71136876-C-A. GRCh37 (hg19) VCF-style: chrX-70356726-C-A.
Identifiers: ClinVar variation 1383322 (VCV001383322.8), dbSNP rs1180673067, ClinGen allele CA2573159585.